The following is an entry in ClinVar:

ClinVar aggregate classification (germline): Uncertain significance (1 of 4 stars; one submission).

gnomAD v4.1: 3 of 1,614,190 alleles (0.00019%); highest among the groups gnomAD compares: Non-Finnish European, 0.00025%; no homozygotes.

Submission:

GeneDx
Classification: Uncertain significance. Last evaluated: 2024-11-24. Review status: criteria provided, single submitter. Criteria: GeneDx Variant Classification Process June 2021. Collection method: clinical testing. Allele origin: germline. Affected: yes.
Comment: Reported as a de novo variant in a patient with a developmental disorder in published literature; however, no further clinical information was provided (PMID: 33057194); Not observed at significant frequency in large population cohorts (gnomAD); In silico analysis supports that this missense variant has a deleterious effect on protein structure/function; This variant is associated with the following publications: (PMID: 33057194, 35982159)

NM_001003694.2(BRPF1):c.3571C>T (p.Arg1191Cys)

Gene: BRPF1 (bromodomain and PHD finger containing 1; plus strand). Cytogenetic location: 3p25.3.
Variant type: single nucleotide variant.
Coding change: c.3571C>T on transcript NM_001003694.2 (MANE Select); coding-DNA position 3571, C replaced by T.
Protein change: p.Arg1191Cys; replaces arginine 1191 with cysteine.
Molecular consequence: missense variant. On other transcripts: non-coding transcript variant (1).
Genome position (GRCh38, 1-based): chr3:9,747,257, C>T. VCF-style: chr3-9747257-C-T. GRCh37 (hg19) VCF-style: chr3-9788941-C-T.
Other names: c.3268C>T, p.Arg1090Cys (NM_001319049.2); c.3550C>T, p.Arg1184Cys (NM_001319050.2); c.3568C>T, p.Arg1190Cys (NM_001410704.1); c.3553C>T, p.Arg1185Cys (NM_004634.3); short protein forms R1090C, R1184C, R1185C, R1190C, R1191C.
Identifiers: ClinVar variation 3900329 (VCV003900329.1).